The following is an entry in ClinVar:

ClinVar aggregate classification (germline): Likely benign. Review status: criteria provided, multiple submitters, no conflicts (2 of 4 stars). 2 submissions from 2 submitters: Likely benign (2). Last evaluated 2024-11-22.

Conditions:
Familial cancer of breast. Also called: Hereditary breast cancer; hereditary breast carcinoma; BREAST CANCER, FAMILIAL. Identifiers: Orphanet 227535, MedGen C0346153, MONDO:0016419, OMIM 114480. Disease mechanism: loss of function.

Allele frequency attached by ClinVar (database versions not stated): gnomAD exomes below 0.00001; gnomAD 0.00001; 1000 Genomes Project 30x 0.00016; 1000 Genomes Project 0.00020.
gnomAD v4.1: 5 of 1,570,822 alleles (0.00032%); highest among the groups gnomAD compares: Non-Finnish European, 0.00043%; no homozygotes.

Submissions (2):

Labcorp Genetics (formerly Invitae), Labcorp
Classification: Likely benign for Familial cancer of breast. Last evaluated: 2024-11-22. Review status: criteria provided, single submitter. Criteria: Invitae Variant Classification Sherloc (09022015). Collection method: clinical testing. Allele origin: germline.

Myriad Genetics, Inc.
Classification: Likely benign for Familial cancer of breast. Last evaluated: 2024-10-08. Review status: criteria provided, single submitter. Criteria: Myriad Autosomal Dominant, Autosomal Recessive and X-Linked Classification Criteria (2023). Collection method: clinical testing. Allele origin: unknown.
Comment: This variant is considered likely benign. This variant is intronic and is not expected to impact mRNA splicing.

NM_007194.4(CHEK2):c.1376-8T>C

Gene: CHEK2 (checkpoint kinase 2; minus strand). Cytogenetic location: 22q12.1.
Variant type: single nucleotide variant.
Coding change: c.1376-8T>C on transcript NM_007194.4 (MANE Select); 8 bases into the intron before coding-DNA position 1376, T replaced by C.
Molecular consequence: intron variant.
Genome position (GRCh38, 1-based): chr22:28,694,125, A>G on the plus strand (T>C on the coding strand, the complement: CHEK2 is on the minus strand). VCF-style: chr22-28694125-A-G. GRCh37 (hg19) VCF-style: chr22-29090113-A-G.
Other names: c.713-8T>C (NM_001437942.1, NM_001257387.3); c.1175-8T>C (NM_001349956.3); c.1289-8T>C (NM_145862.3); c.1382-8T>C (NM_001438295.1); c.1469-8T>C (NM_001438293.1); c.1418-8T>C (NM_001438294.1); c.1505-8T>C (NM_001005735.3).
Identifiers: ClinVar variation 1532203 (VCV001532203.10), dbSNP rs550845289, ClinGen allele CA323004744.
Genomic context (GRCh38, chr22:28,694,125, plus strand): 5'-CGTAAAACGTGCCTTTGGATCCACTACCAACAACTTCTTGACAAGGTCCAGAGCTAAAGC[A>G]ACAATTGGGCAAATCACAGTGAAAAGGATAAATATATTATCAGTAAGAGTATGCCAGAAT-3'